The following is an entry in ClinVar:

NM_198253.3(TERT):c.2655-5del

Gene: TERT (telomerase reverse transcriptase; minus strand). Cytogenetic location: 5p15.33.
Variant type: Deletion.
Coding change: c.2655-5del on transcript NM_198253.3 (MANE Select); 5 bases into the intron before coding-DNA position 2655, one base deleted (C; older notation c.2655-5delC).
Molecular consequence: intron variant.
Genome position (GRCh38, 1-based): chr5:1,264,597, G deleted on the plus strand (C on the coding strand, the reverse complement: TERT is on the minus strand); the first of 2 consecutive G bases (chr5:1,264,597-1,264,598); deleting either gives the same sequence. VCF-style (leftmost placement, unchanged base first): chr5-1264596-AG-A. GRCh37 (hg19) VCF-style: chr5-1264711-AG-A.
Other names: c.2654+1867del (NM_001193376.3).
Identifiers: ClinVar variation 3363482 (VCV003363482.1).

ClinVar aggregate classification (germline): Uncertain significance (1 of 4 stars; one submission).

Submission:

GeneDx
Classification: Uncertain significance. Last evaluated: 2023-10-24. Review status: criteria provided, single submitter. Criteria: GeneDx Variant Classification Process June 2021. Collection method: clinical testing. Allele origin: germline. Affected: yes.
Comment: Not observed at significant frequency in large population cohorts (gnomAD); In silico analysis supports that this variant does not alter splicing; Has not been previously published as pathogenic or benign to our knowledge